The following is an entry in ClinVar:

ClinVar aggregate classification (germline): Conflicting classifications of pathogenicity. Review status: criteria provided, conflicting classifications (1 of 4 stars). 6 submissions from 6 submitters: Uncertain significance (5); Likely benign (1). Last evaluated 2026-06-01.

Conditions:
Hereditary sensory and autonomic neuropathy type 7. Also called: Neuropathy, hereditary sensory and autonomic, type VII; HSAN VII. Identifiers: Orphanet 391397, MedGen C3809882, MONDO:0014244, OMIM 615548.
SCN11A-related disorder. Also called: SCN11A-related condition.
Inborn genetic diseases. Identifiers: MedGen C0950123, MeSH D030342.
Familial episodic pain syndrome with predominantly lower limb involvement. Also called: Episodic pain syndrome, familial, 3. Identifiers: Orphanet 391384, Orphanet 391392, MedGen C3809899, MONDO:0014247, OMIM 615552.

Allele frequency attached by ClinVar (database versions not stated): ExAC 0.00002; gnomAD exomes 0.00002 and 0.00005; gnomAD 0.00006 and 0.00007; ESP Exome Variant Server 0.00008; TOPMed 0.00010.
gnomAD v4.1: 86 of 1,613,366 alleles (0.0053%); highest among the groups gnomAD compares: Non-Finnish European, 0.0066%; no homozygotes.

Submissions (6):

CeGaT Center for Human Genetics Tuebingen
Classification: Uncertain significance. Last evaluated: 2026-06-01. Review status: criteria provided, single submitter. Criteria: CeGaT Center For Human Genetics Tuebingen Variant Classification Criteria Version 2. Collection method: clinical testing. Allele origin: germline. Affected: yes. Observed: 1 variant allele.

PreventionGenetics, part of Exact Sciences
Classification: Uncertain significance for SCN11A-related condition. Last evaluated: 2026-03-31. Review status: criteria provided, single submitter. Criteria: ACMG Guidelines, 2015. Collection method: clinical testing. Allele origin: germline.
Comment: The SCN11A c.7G>C variant is predicted to result in the amino acid substitution p.Asp3His. To our knowledge, this variant has not been reported in the literature. This variant is reported in 0.0080% of alleles in individuals of African descent in gnomAD. At this time, the clinical significance of this variant is uncertain due to the absence of conclusive functional and genetic evidence.

Labcorp Genetics (formerly Invitae), Labcorp
Classification: Uncertain significance for Familial episodic pain syndrome with predominantly lower limb involvement; Hereditary sensory and autonomic neuropathy type 7. Last evaluated: 2025-12-20. Review status: criteria provided, single submitter. Criteria: Invitae Variant Classification Sherloc (09022015). Collection method: clinical testing. Allele origin: germline.
Comment: This sequence change replaces aspartic acid, which is acidic and polar, with histidine, which is basic and polar, at codon 3 of the SCN11A protein (p.Asp3His). This variant is present in population databases (rs373639733, gnomAD 0.008%). This variant has not been reported in the literature in individuals affected with SCN11A-related conditions. ClinVar contains an entry for this variant (Variation ID: 956051). An algorithm developed to predict the effect of missense changes on protein structure and function (PolyPhen-2) suggests that this variant is likely to be disruptive. In summary, the available evidence is currently insufficient to determine the role of this variant in disease. Therefore, it has been classified as a Variant of Uncertain Significance.

Pittsburgh Clinical Genomics Laboratory, University of Pittsburgh Medical Center
Classification: Uncertain significance for Hereditary sensory and autonomic neuropathy type 7. Last evaluated: 2023-12-04. Review status: criteria provided, single submitter. Criteria: ACMG Guidelines, 2015. Collection method: clinical testing. Allele origin: germline. Inheritance: Autosomal dominant inheritance. Affected: yes.
Comment: This sequence variant is a single nucleotide substitution (G>C) at coding nucleotide 7 of the SCN11A gene that results in an aspartic acid to histidine amino acid change at residue 3 of the SCN11A protein. This is a previously reported variant (ClinVar) that has not been observed in an individual with a SCN11A-related disorder in the published literature, to our knowledge. This variant is present in 7 of 282,744 alleles in the gnomAD population database (0.002%). Multiple bioinformatic tools predict that this aspartic acid to histidine amino acid change would be neutral, and the aspartic acid residue is moderately conserved across the vertebrate species examined. Studies examining the functiol consequence of this variant have not been published, to our knowledge. At this time, there is insufficient evidence to determine if this variant is pathogenic or benign. Therefore, we consider this a variant of uncertain significance. ACMG Criteria: BP4, PM2

Ambry Genetics
Classification: Uncertain significance for Inborn genetic diseases. Last evaluated: 2021-05-24. Review status: criteria provided, single submitter. Criteria: Ambry Variant Classification Scheme 2023. Collection method: clinical testing. Allele origin: germline.
Comment: The p.D3H variant (also known as c.7G>C), located in coding exon 1 of the SCN11A gene, results from a G to C substitution at nucleotide position 7. The aspartic acid at codon 3 is replaced by histidine, an amino acid with similar properties. This amino acid position is not well conserved in available vertebrate species. In addition, the in silico prediction for this alteration is inconclusive. Since supporting evidence is limited at this time, the clinical significance of this alteration remains unclear.

GeneDx
Classification: Likely benign. Last evaluated: 2019-03-29. Review status: criteria provided, single submitter. Criteria: GeneDx Variant Classification Process June 2021. Collection method: clinical testing. Allele origin: germline. Affected: yes.

NM_001349253.2(SCN11A):c.7G>C (p.Asp3His)

Gene: SCN11A (sodium voltage-gated channel alpha subunit 11; minus strand). Cytogenetic location: 3p22.2.
Variant type: single nucleotide variant.
Coding change: c.7G>C on transcript NM_001349253.2 (MANE Select); coding-DNA position 7, G replaced by C.
Protein change: p.Asp3His; replaces aspartic acid 3 with histidine.
Molecular consequence: missense variant.
Genome position (GRCh38, 1-based): chr3:38,950,356, C>G on the plus strand (G>C on the coding strand, the complement: SCN11A is on the minus strand). VCF-style: chr3-38950356-C-G. GRCh37 (hg19) VCF-style: chr3-38991847-C-G.
Other names: c.7G>C, p.Asp3His (NM_014139.3); short protein forms D3H.
Identifiers: ClinVar variation 956051 (VCV000956051.15), dbSNP rs373639733, ClinGen allele CA2322802.